The following is an entry in ClinVar:

ClinVar aggregate classification (germline): Pathogenic. Review status: criteria provided, single submitter (1 of 4 stars). 2 submissions from 2 submitters: Pathogenic (1). 1 of the submissions does not count toward it. Last evaluated 2025-05-28.

Conditions:
Myoclonic dystonia 11 (DYT11). Also called: Myoclonic dystonia; SGCE Myoclonus-Dystonia; Myoclonus-Dystonia; DYT-SGCE; Dystonia 11; Dystonia, alcohol responsive. Identifiers: Orphanet 36899, MedGen C1834570, MONDO:0008044, OMIM 159900.

Submissions (2):

3billion
Classification: Pathogenic for Myoclonic dystonia 11. Last evaluated: 2025-05-28. Review status: criteria provided, single submitter. Criteria: ACMG Guidelines, 2015. Collection method: clinical testing. Allele origin: germline. Affected: yes.
Comment: The variant is not observed in the gnomAD v4.1.0 dataset. Predicted Consequence/Location: Frameshift: predicted to result in a loss or disruption of normal protein function through nonsense-mediated decay (NMD) or protein truncation. Multiple pathogenic variants are reported downstream of the variant. The variant has been reported to be associated with SGCE-related disorder (ClinVar ID: VCV000005779 /PMID: 16534121). Therefore, this variant is classified as Pathogenic according to the recommendation of ACMG/AMP guideline.

OMIM
Classification: Pathogenic for DYSTONIA 11, MYOCLONIC. Last evaluated: 2006-11-14. Review status: no assertion criteria provided. Collection method: literature only. Allele origin: germline. Not counted in ClinVar's aggregate classification.

Literature cited by the submitters: PubMed 16534121 (cited by 3billion); Korten, J. J., Notermans, S. L. H., Frenken, C. W. G. M., Gabreels, F. J. M., Joosten, E. M. G. Familial essential myoclonus. Brain 97: 131-138, 1974. (cited by OMIM); PubMed 17101905 (cited by OMIM).

NM_003919.3(SGCE):c.619_620del (p.Arg207fs)

Genes: CASD1 (CAS1 domain sialic acid O acetyltransferase 1; plus strand), SGCE (sarcoglycan epsilon; minus strand). Cytogenetic location: 7q21.3.
Variant type: Deletion.
Coding change: c.619_620del on transcript NM_003919.3 (MANE Select); coding-DNA positions 619 to 620, 2 bases deleted (AG; older notation c.619_620delAG).
Protein change: p.Arg207fs; shifts the reading frame from arginine 207.
Molecular consequence: frameshift variant.
Genome position (GRCh38, 1-based): chr7:94,618,800-94,618,801, CT deleted on the plus strand (AG on the coding strand, the reverse complement: SGCE is on the minus strand). VCF-style (leftmost placement, unchanged base first): chr7-94618799-CCT-C. GRCh37 (hg19) VCF-style: chr7-94248111-CCT-C.
Other names: c.619_620del, p.Arg207fs (NM_001099400.2, NM_001099401.2, NM_001346717.2); c.496_497del, p.Arg166fs (NM_001301139.2, NM_001362809.2); c.727_728del, p.Arg243fs (NM_001346713.2, NM_001346715.2); c.532_533del, p.Arg178fs (NM_001346719.2, NM_001362807.2); c.346_347del, p.Arg116fs (NM_001346720.2, NM_001362808.2); short protein forms R166fs, R207fs, R116fs, R178fs, R243fs.
Identifiers: ClinVar variation 5779 (VCV000005779.2), dbSNP rs863223285, ClinGen allele CA278863.
Genomic context (GRCh38, chr7:94,618,799, plus strand): 5'-GAGATAAAGATCTGCTTACCCCTCCTTCAGGTCATTAATGGGAAGTGGCACCCTGCCACC[CCT>C]GTCTAGGGCCGATGTGATGTTTATGGCGTTCAGGCGCTCTGGCTGCCACACATTTTTCAC-3'